The following is an entry in ClinVar:

ClinVar aggregate classification (germline): Uncertain significance (1 of 4 stars; one submission).

Conditions:
Hyperammonemic encephalopathy due to carbonic anhydrase VA deficiency. Also called: Carbonic Anhydrase VA Deficiency; Carbonic anhydrase VA deficiency, hyperammonemia due to. Identifiers: Orphanet 401948, MedGen C4706871, MONDO:0014332, OMIM 615751.

Allele frequency attached by ClinVar (database versions not stated): ExAC 0.00004; gnomAD 0.00005 and 0.00006; gnomAD exomes 0.00006.
gnomAD v4.1: 75 of 1,530,280 alleles (0.0049%); highest among the groups gnomAD compares: Non-Finnish European, 0.0065%; no homozygotes.

Submission:

Labcorp Genetics (formerly Invitae), Labcorp
Classification: Uncertain significance for Hyperammonemic encephalopathy due to carbonic anhydrase VA deficiency. Last evaluated: 2025-10-22. Review status: criteria provided, single submitter. Criteria: Invitae Variant Classification Sherloc (09022015). Collection method: clinical testing. Allele origin: germline.
Comment: This sequence change replaces alanine, which is neutral and non-polar, with threonine, which is neutral and polar, at codon 255 of the CA5A protein (p.Ala255Thr). The frequency data for this variant in the population databases is considered unreliable, as metrics indicate poor data quality at this position in the gnomAD database. This variant has not been reported in the literature in individuals affected with CA5A-related conditions. ClinVar contains an entry for this variant (Variation ID: 1403478). Invitae Evidence Modeling of protein sequence and biophysical properties (such as structural, functional, and spatial information, amino acid conservation, physicochemical variation, residue mobility, and thermodynamic stability) indicates that this missense variant is not expected to disrupt CA5A protein function with a negative predictive value of 80%. In summary, the available evidence is currently insufficient to determine the role of this variant in disease. Therefore, it has been classified as a Variant of Uncertain Significance.

NM_001739.2(CA5A):c.763G>A (p.Ala255Thr)

Gene: CA5A (carbonic anhydrase 5A; minus strand). Cytogenetic location: 16q24.2.
Variant type: single nucleotide variant.
Coding change: c.763G>A on transcript NM_001739.2 (MANE Select); coding-DNA position 763, G replaced by A.
Protein change: p.Ala255Thr; replaces alanine 255 with threonine.
Molecular consequence: missense variant. On other transcripts: non-coding transcript variant (2).
Genome position (GRCh38, 1-based): chr16:87,891,810, C>T on the plus strand (G>A on the coding strand, the complement: CA5A is on the minus strand). VCF-style: chr16-87891810-C-T. GRCh37 (hg19) VCF-style: chr16-87925416-C-T.
Other names: c.763G>A, p.Ala255Thr (NM_001367225.1); short protein forms A255T.
Identifiers: ClinVar variation 1403478 (VCV001403478.4), dbSNP rs756854770, ClinGen allele CA8223288.